The following is an entry in ClinVar:

NM_007294.4(BRCA1):c.1702C>T (p.Pro568Ser)

Gene: BRCA1 (BRCA1 DNA repair associated; minus strand). Cytogenetic location: 17q21.31.
Variant type: single nucleotide variant.
Coding change: c.1702C>T on transcript NM_007294.4 (MANE Select); coding-DNA position 1702, C replaced by T.
Protein change: p.Pro568Ser; replaces proline 568 with serine.
Molecular consequence: missense variant. On other transcripts: intron variant (137).
Genome position (GRCh38, 1-based): chr17:43,093,829, G>A on the plus strand (C>T on the coding strand, the complement: BRCA1 is on the minus strand). VCF-style: chr17-43093829-G-A. GRCh37 (hg19) VCF-style: chr17-41245846-G-A.
Other names: c.1699C>T, p.Pro567Ser (NM_001407615.1, NM_001407627.1, NM_001407628.1 and 22 more transcripts); c.1702C>T, p.Pro568Ser (NM_001407616.1, NM_001407617.1, NM_001407618.1 and 30 more transcripts); c.1693C>T, p.Pro565Ser (NM_001407646.1, NM_001407647.1); c.1579C>T, p.Pro527Ser (NM_001407648.1, NM_001407664.1, NM_001407665.1 and 19 more transcripts); c.1576C>T, p.Pro526Ser (NM_001407649.1, NM_001407670.1, NM_001407671.1 and 11 more transcripts); c.1624C>T, p.Pro542Ser (NM_001407653.1, NM_001407654.1, NM_001407655.1 and 4 more transcripts); c.1621C>T, p.Pro541Ser (NM_001407659.1, NM_001407660.1, NM_001407661.1 and 1 more transcripts); c.1561C>T, p.Pro521Ser (NM_001407692.1, NM_001407694.1, NM_001407695.1 and 29 more transcripts); and 40 more; short protein forms P568S, P521S, P272S, P440S, P480S, P526S, P567S, P456S.
Identifiers: ClinVar variation 185060 (VCV000185060.25), dbSNP rs755122577, ClinGen allele CA001115.

ClinVar aggregate classification (germline): Conflicting classifications of pathogenicity. Review status: criteria provided, conflicting classifications (1 of 4 stars). 6 submissions from 6 submitters: Uncertain significance (4); Likely benign (2). Last evaluated 2025-11-19.

Conditions:
Hereditary cancer-predisposing syndrome. Also called: Hereditary neoplastic syndrome; Neoplastic Syndromes, Hereditary; Tumor predisposition; Hereditary Cancer Syndrome. Identifiers: Orphanet 140162, MedGen C0027672, MeSH D009386, MONDO:0015356.
Hereditary breast ovarian cancer syndrome. Also called: Hereditary breast and ovarian cancer syndrome (HBOC); Breast and ovarian cancer; Hereditary breast and/or ovarian cancer syndrome; BRCA1- and BRCA2-Associated Hereditary Breast and Ovarian Cancer; Hereditary breast and ovarian cancer syndrome; Hereditary breast and ovarian cancer. Identifiers: Orphanet 145, MedGen C0677776, MeSH D061325, MONDO:0003582. Disease mechanism: loss of function.

Allele frequency attached by ClinVar (database versions not stated): gnomAD exomes below 0.00001; ExAC 0.00001; gnomAD 0.00001; TOPMed 0.00001.
gnomAD v4.1: 2 of 1,613,190 alleles (0.00012%); highest among the groups gnomAD compares: African/African-American, 0.0027%; no homozygotes.

Submissions (6):

Labcorp Genetics (formerly Invitae), Labcorp
Classification: Uncertain significance for Hereditary breast ovarian cancer syndrome. Last evaluated: 2025-11-19. Review status: criteria provided, single submitter. Criteria: Invitae Variant Classification Sherloc (09022015). Collection method: clinical testing. Allele origin: germline.
Comment: This sequence change replaces proline, which is neutral and non-polar, with serine, which is neutral and polar, at codon 568 of the BRCA1 protein (p.Pro568Ser). This variant is present in population databases (rs755122577, gnomAD 0.007%). This missense change has been observed in individual(s) with breast cancer, ovarian cancer and/or individuals with a suspicion of hereditary cancer (PMID: 18559594, 31825140, 31853058). This variant is also known as 1841C>T. ClinVar contains an entry for this variant (Variation ID: 185060). Invitae Evidence Modeling of protein sequence and biophysical properties (such as structural, functional, and spatial information, amino acid conservation, physicochemical variation, residue mobility, and thermodynamic stability) indicates that this missense variant is not expected to disrupt BRCA1 protein function with a negative predictive value of 80%. In summary, the available evidence is currently insufficient to determine the role of this variant in disease. Therefore, it has been classified as a Variant of Uncertain Significance.

Quest Diagnostics Nichols Institute San Juan Capistrano
Classification: Uncertain significance. Last evaluated: 2025-09-30. Review status: criteria provided, single submitter. Criteria: Quest Diagnostics criteria. Collection method: clinical testing. Allele origin: unknown.
Comment: The BRCA1 c.1702C>T (p.Pro568Ser) variant has been reported in the published literature in an individual with ovarian cancer (PMID: 18559594 (2008)), in a cohort of individuals undergoing genetic testing for hereditary cancer (PMID: 31853058 (2020)), and described to be located in a region of the BRCA1 gene that is tolerant to missense sequence changes (PMID: 31911673 (2020)). The frequency of this variant in the general population (Genome Aggregation Database) is uninformative in the assessment of its pathogenicity. Analysis of this variant using bioinformatics tools for the prediction of the effect of amino acid changes on protein structure and function yielded predictions that this variant is benign. Based on the available information, we are unable to determine the clinical significance of this variant.

Color Diagnostics, LLC DBA Color Health
Classification: Likely benign for Hereditary cancer-predisposing syndrome. Last evaluated: 2025-06-10. Review status: criteria provided, single submitter. Criteria: ACMG Guidelines, 2015. Collection method: clinical testing. Allele origin: germline.

Ambry Genetics
Classification: Uncertain significance for Hereditary cancer-predisposing syndrome. Last evaluated: 2025-05-23. Review status: criteria provided, single submitter. Criteria: Ambry Variant Classification Scheme 2023. Collection method: clinical testing. Allele origin: germline.
Comment: The p.P568S variant (also known as c.1702C>T), located in coding exon 9 of the BRCA1 gene, results from a C to T substitution at nucleotide position 1702. The proline at codon 568 is replaced by serine, an amino acid with similar properties. This amino acid position is poorly conserved in available vertebrate species. In addition, the in silico prediction for this alteration is inconclusive. Since supporting evidence is limited at this time, the clinical significance of this alteration remains unclear.

Women's Health and Genetics/Laboratory Corporation of America, LabCorp
Classification: Uncertain significance. Last evaluated: 2024-02-05. Review status: criteria provided, single submitter. Criteria: LabCorp Variant Classification Summary - May 2015. Collection method: clinical testing. Allele origin: germline.
Comment: Variant summary: BRCA1 c.1702C>T (p.Pro568Ser) results in a non-conservative amino acid change in the encoded protein sequence. Four of five in-silico tools predict a benign effect of the variant on protein function. The variant allele was found at a frequency of 4e-06 in 250396 control chromosomes. The available data on variant occurrences in the general population are insufficient to allow any conclusion about variant significance. c.1702C>T has been reported in the literature in individuals affected with Hereditary Breast and/or Ovarian Cancer (example, Soegaard_2008, Gao_2020). These report(s) do not provide unequivocal conclusions about association of the variant with Hereditary Breast And Ovarian Cancer Syndrome. To our knowledge, no experimental evidence demonstrating an impact on protein function has been reported. The following publications have been ascertained in the context of this evaluation (PMID: 31825140, 18559594). ClinVar contains an entry for this variant (Variation ID: 185060). Based on the evidence outlined above, the variant was classified as uncertain significance.

University of Washington Department of Laboratory Medicine, University of Washington
Classification: Likely benign for Hereditary cancer-predisposing syndrome. Last evaluated: 2023-03-23. Review status: criteria provided, single submitter. Criteria: Dines et al. (Genet Med. 2020). Collection method: curation. Allele origin: germline.
Comment: Missense variant in a coldspot region where missense variants are very unlikely to be pathogenic (PMID:31911673).

BRCA1 coldspot (exon 11 using historical exon numbering). Reclassification based on statistical prior probability

Literature cited by the submitters: PubMed 18559594 (cited by 4 submitters); PubMed 31825140 (cited by 3 submitters); PubMed 31853058 (cited by Labcorp Genetics (formerly Invitae), Labcorp and Quest Diagnostics Nichols Institute San Juan Capistrano); PubMed 31911673 (cited by Quest Diagnostics Nichols Institute San Juan Capistrano).